The following is an entry in ClinVar:

ClinVar aggregate classification (germline): Uncertain significance (1 of 4 stars; one submission).

Allele frequency attached by ClinVar (database versions not stated): TOPMed 0.00001.
gnomAD v4.1: 4 of 1,613,214 alleles (0.00025%); highest among the groups gnomAD compares: African/African-American, 0.0053%; no homozygotes.

Submission:

Labcorp Genetics (formerly Invitae), Labcorp
Classification: Uncertain significance. Last evaluated: 2023-03-26. Review status: criteria provided, single submitter. Criteria: Invitae Variant Classification Sherloc (09022015). Collection method: clinical testing. Allele origin: germline.
Comment: This sequence change replaces proline, which is neutral and non-polar, with alanine, which is neutral and non-polar, at codon 216 of the GHR protein (p.Pro216Ala). This variant is present in population databases (no rsID available, gnomAD 0.007%). This variant has not been reported in the literature in individuals affected with GHR-related conditions. Advanced modeling of protein sequence and biophysical properties (such as structural, functional, and spatial information, amino acid conservation, physicochemical variation, residue mobility, and thermodynamic stability) performed at Invitae indicates that this missense variant is expected to disrupt GHR protein function. In summary, the available evidence is currently insufficient to determine the role of this variant in disease. Therefore, it has been classified as a Variant of Uncertain Significance.

NM_000163.5(GHR):c.646C>G (p.Pro216Ala)

Gene: GHR (growth hormone receptor; plus strand). Cytogenetic location: 5p12.
Variant type: single nucleotide variant.
Coding change: c.646C>G on transcript NM_000163.5 (MANE Select); coding-DNA position 646, C replaced by G.
Protein change: p.Pro216Ala; replaces proline 216 with alanine.
Molecular consequence: missense variant.
Genome position (GRCh38, 1-based): chr5:42,711,234, C>G. VCF-style: chr5-42711234-C-G. GRCh37 (hg19) VCF-style: chr5-42711336-C-G.
Other names: c.667C>G, p.Pro223Ala (NM_001242399.2); c.646C>G, p.Pro216Ala (NM_001242400.2, NM_001242401.4, NM_001242402.2 and 5 more transcripts); c.580C>G, p.Pro194Ala (NM_001242460.2); short protein forms P216A, P194A, P223A.
Identifiers: ClinVar variation 2869168 (VCV002869168.3), dbSNP rs1421392331, ClinGen allele CA359695839.